The following is an entry in ClinVar:

NM_001035.3(RYR2):c.14674G>A (p.Gly4892Arg)

Gene: RYR2 (ryanodine receptor 2; plus strand). Cytogenetic location: 1q43.
Variant type: single nucleotide variant.
Coding change: c.14674G>A on transcript NM_001035.3 (MANE Select); coding-DNA position 14674, G replaced by A.
Protein change: p.Gly4892Arg; replaces glycine 4892 with arginine.
Molecular consequence: missense variant.
Genome position (GRCh38, 1-based): chr1:237,830,548, G>A. VCF-style: chr1-237830548-G-A. GRCh37 (hg19) VCF-style: chr1-237993848-G-A.
Other names: short protein forms G4892R.
Identifiers: ClinVar variation 2099279 (VCV002099279.4), dbSNP rs2528470864, ClinGen allele CA345409670.
Genomic context (GRCh38, chr1:237,830,548, plus strand): 5'-GCTTTCTGAACTCTGACGTTAATATTTCCCTTTGTTTTCTAGACCAAATGCTTCATCTGT[G>A]GGATAGGCAATGATTACTTCGACACAGTGCCACATGGCTTTGAAACCCACACTTTACAGG-3'
Protein context (NP_001026.2, residues 4882-4902): EDMETKCFIC[Gly4892Arg]IGNDYFDTVP

ClinVar aggregate classification (germline): Uncertain significance (1 of 4 stars; one submission).

Conditions:
Catecholaminergic polymorphic ventricular tachycardia 1. Also called: VENTRICULAR TACHYCARDIA, STRESS-INDUCED POLYMORPHIC 1; RYR2-Related Catecholaminergic Polymorphic Ventricular Tachycardia; VENTRICULAR TACHYCARDIA, CATECHOLAMINERGIC POLYMORPHIC, 1, WITH OR WITHOUT ATRIAL DYSFUNCTION AND/OR DILATED CARDIOMYOPATHY. Identifiers: Orphanet 3286, MedGen C1631597, MONDO:0011484, OMIM 604772.

Submission:

Labcorp Genetics (formerly Invitae), Labcorp
Classification: Uncertain significance for Catecholaminergic polymorphic ventricular tachycardia 1. Last evaluated: 2022-02-19. Review status: criteria provided, single submitter. Criteria: Invitae Variant Classification Sherloc (09022015). Collection method: clinical testing. Allele origin: germline.
Comment: In summary, the available evidence is currently insufficient to determine the role of this variant in disease. Therefore, it has been classified as a Variant of Uncertain Significance. Advanced modeling of protein sequence and biophysical properties (such as structural, functional, and spatial information, amino acid conservation, physicochemical variation, residue mobility, and thermodynamic stability) performed at Invitae indicates that this missense variant is expected to disrupt RYR2 protein function. This variant has not been reported in the literature in individuals affected with RYR2-related conditions. This variant is not present in population databases (gnomAD no frequency). This sequence change replaces glycine, which is neutral and non-polar, with arginine, which is basic and polar, at codon 4892 of the RYR2 protein (p.Gly4892Arg).